The following is an entry in ClinVar:

NM_001148.6(ANK2):c.539C>T (p.Ala180Val)

Gene: ANK2 (ankyrin 2; plus strand). Cytogenetic location: 4q26.
Variant type: single nucleotide variant.
Coding change: c.539C>T on transcript NM_001148.6 (MANE Select); coding-DNA position 539, C replaced by T.
Protein change: p.Ala180Val; replaces alanine 180 with valine.
Molecular consequence: missense variant.
Genome position (GRCh38, 1-based): chr4:113,237,042, C>T. VCF-style: chr4-113237042-C-T. GRCh37 (hg19) VCF-style: chr4-114158198-C-T.
Other names: c.584C>T, p.Ala195Val (NM_001386144.1, NM_001386152.1, NM_001354230.2 and 5 more transcripts); c.476C>T, p.Ala159Val (NM_001386146.1, NM_001386149.1, NM_001386150.1 and 33 more transcripts); c.521C>T, p.Ala174Val (NM_001386147.1, NM_001386160.1, NM_001354261.2); c.527C>T, p.Ala176Val (NM_001386148.2, NM_001386187.2, NM_001386186.2 and 1 more transcripts); c.539C>T, p.Ala180Val (NM_020977.5, NM_001354273.2, NM_001354265.2 and 9 more transcripts); c.590C>T, p.Ala197Val (NM_001386174.1, NM_001386175.1); short protein forms A180V, A197V, A159V, A176V, A174V, A195V.
Identifiers: ClinVar variation 3664669 (VCV003664669.2).

ClinVar aggregate classification (germline): Uncertain significance (1 of 4 stars; one submission).

Conditions:
Long QT syndrome (LQTS). Identifiers: MedGen C0023976, MeSH D008133, MONDO:0002442. Disease mechanism: loss of function. Inheritance: Various modes of inheritance.

Submission:

Labcorp Genetics (formerly Invitae), Labcorp
Classification: Uncertain significance for Long QT syndrome. Last evaluated: 2025-01-28. Review status: criteria provided, single submitter. Criteria: Invitae Variant Classification Sherloc (09022015). Collection method: clinical testing. Allele origin: germline.
Comment: This sequence change replaces alanine, which is neutral and non-polar, with valine, which is neutral and non-polar, at codon 180 of the ANK2 protein (p.Ala180Val). This variant is not present in population databases (gnomAD no frequency). This variant has not been reported in the literature in individuals affected with ANK2-related conditions. Invitae Evidence Modeling of protein sequence and biophysical properties (such as structural, functional, and spatial information, amino acid conservation, physicochemical variation, residue mobility, and thermodynamic stability) indicates that this missense variant is not expected to disrupt ANK2 protein function with a negative predictive value of 80%. In summary, the available evidence is currently insufficient to determine the role of this variant in disease. Therefore, it has been classified as a Variant of Uncertain Significance.